The following is an entry in ClinVar:

NM_021813.4(BACH2):c.1534C>A (p.Pro512Thr)

Gene: BACH2 (BACH transcriptional regulator 2; minus strand). Cytogenetic location: 6q15.
Variant type: single nucleotide variant.
Coding change: c.1534C>A on transcript NM_021813.4 (MANE Select); coding-DNA position 1534, C replaced by A.
Protein change: p.Pro512Thr; replaces proline 512 with threonine.
Molecular consequence: missense variant.
Genome position (GRCh38, 1-based): chr6:89,950,572, G>T on the plus strand (C>A on the coding strand, the complement: BACH2 is on the minus strand). VCF-style: chr6-89950572-G-T. GRCh37 (hg19) VCF-style: chr6-90660291-G-T.
Other names: NP_001164265.1:p.Pro512Thr; c.1534C>A (NM_021813.2); c.1534C>A, p.Pro512Thr (NM_001170794.2); short protein forms P512T.
Identifiers: ClinVar variation 2173021 (VCV002173021.7), dbSNP rs759035058, ClinGen allele CA3927968.

ClinVar aggregate classification (germline): Uncertain significance. Review status: criteria provided, multiple submitters, no conflicts (2 of 4 stars). 3 submissions from 3 submitters: Uncertain significance (2). 1 of the submissions does not count toward it. Last evaluated 2025-10-07.

Conditions:
Primary ciliary dyskinesia 3. Identifiers: Orphanet 244, MedGen C1837618, MONDO:0012085, OMIM 608644.

gnomAD v4.1: 29 of 1,611,506 alleles (0.0018%); highest among the groups gnomAD compares: East Asian, 0.0067%; no homozygotes.

Submissions (3):

Labcorp Genetics (formerly Invitae), Labcorp
Classification: Uncertain significance. Last evaluated: 2025-10-07. Review status: criteria provided, single submitter. Criteria: Invitae Variant Classification Sherloc (09022015). Collection method: clinical testing. Allele origin: germline.
Comment: This sequence change replaces proline, which is neutral and non-polar, with threonine, which is neutral and polar, at codon 512 of the BACH2 protein (p.Pro512Thr). This variant is present in population databases (rs759035058, gnomAD 0.01%). This variant has not been reported in the literature in individuals affected with BACH2-related conditions. ClinVar contains an entry for this variant (Variation ID: 2173021). Invitae Evidence Modeling of protein sequence and biophysical properties (such as structural, functional, and spatial information, amino acid conservation, physicochemical variation, residue mobility, and thermodynamic stability) indicates that this missense variant is not expected to disrupt BACH2 protein function with a negative predictive value of 80%. In summary, the available evidence is currently insufficient to determine the role of this variant in disease. Therefore, it has been classified as a Variant of Uncertain Significance.

Ambry Genetics
Classification: Uncertain significance. Last evaluated: 2024-03-08. Review status: criteria provided, single submitter. Criteria: Ambry Variant Classification Scheme 2023. Collection method: clinical testing. Allele origin: germline.

Pulmonary Medicine, Postgraduate Institute of Medical Education and Research
Classification: Pathogenic for Primary ciliary dyskinesia 3. Review status: no assertion criteria provided. Collection method: clinical testing. Allele origin: germline. Affected: yes. Not counted in ClinVar's aggregate classification.